The following is an entry in ClinVar:

NM_001370.2(DNAH6):c.4611C>T (p.Ile1537=)

Gene: DNAH6 (dynein axonemal heavy chain 6; plus strand). Cytogenetic location: 2p11.2.
Variant type: single nucleotide variant.
Coding change: c.4611C>T on transcript NM_001370.2 (MANE Select); coding-DNA position 4611, C replaced by T.
Protein change: p.Ile1537=; no amino-acid change (isoleucine 1537 retained).
Molecular consequence: synonymous variant.
Genome position (GRCh38, 1-based): chr2:84,634,599, C>T. VCF-style: chr2-84634599-C-T. GRCh37 (hg19) VCF-style: chr2-84861723-C-T.
Identifiers: ClinVar variation 402737 (VCV000402737.9), dbSNP rs7570005, ClinGen allele CA1737158.

ClinVar aggregate classification (germline): Benign. Review status: criteria provided, multiple submitters, no conflicts (2 of 4 stars). 4 submissions from 4 submitters: Benign (3). 1 of the submissions does not count toward it. Last evaluated 2021-05-04.

Conditions:
DNAH6-related disorder. Also called: DNAH6-related condition.

Allele frequency attached by ClinVar (database versions not stated): gnomAD exomes 0.08534 and 0.08994; ExAC 0.12257; 1000 Genomes Project 0.17312; gnomAD 0.17870 and 0.18649; 1000 Genomes Project 30x 0.18254; ESP Exome Variant Server 0.18638; TOPMed 0.19151.
gnomAD v4.1: 147,399 of 1,548,974 alleles (9.5%); highest among the groups gnomAD compares: African/African-American, 44%; 12,238 homozygotes.

Submissions (4):

GeneDx
Classification: Benign. Last evaluated: 2021-05-04. Review status: criteria provided, single submitter. Criteria: GeneDx Variant Classification Process June 2021. Collection method: clinical testing. Allele origin: germline. Affected: yes.

Laboratory for Molecular Medicine, Mass General Brigham Personalized Medicine
Classification: Benign. Last evaluated: 2016-03-28. Review status: criteria provided, single submitter. Criteria: LMM Criteria. Collection method: clinical testing. Allele origin: germline.
Comment: Variant identified in a genome or exome case(s) and assessed due to predicted null impact of the variant or pathogenic assertions in the literature or databases. Disclaimer: This variant has not undergone full assessment. The following are preliminary notes: Frequency

Breakthrough Genomics
Classification: Benign. Review status: criteria provided, single submitter. Criteria: ACMG Guidelines, 2015. Collection method: not provided. Allele origin: germline. Inheritance: Unknown mechanism. Affected: yes.

PreventionGenetics, part of Exact Sciences
Classification: Benign for DNAH6-related condition. Last evaluated: 2019-11-25. Review status: no assertion criteria provided. Collection method: clinical testing. Allele origin: germline. Not counted in ClinVar's aggregate classification.
Comment: This variant is classified as benign based on ACMG/AMP sequence variant interpretation guidelines (Richards et al. 2015 PMID: 25741868, with internal and published modifications).